The following is an entry in ClinVar:

ClinVar aggregate classification (germline): Conflicting classifications of pathogenicity. Review status: criteria provided, conflicting classifications (1 of 4 stars). 3 submissions from 3 submitters: Uncertain significance (2); Likely benign (1). Last evaluated 2026-02-01.

Allele frequency attached by ClinVar (database versions not stated): 1000 Genomes Project 30x 0.00016; gnomAD 0.00071 and 0.00077; 1000 Genomes Project 0.00020; gnomAD exomes 0.00008 and 0.00016; ExAC 0.00019; TOPMed 0.00071; ESP Exome Variant Server 0.00062.
gnomAD v4.1: 226 of 1,613,684 alleles (0.014%); highest among the groups gnomAD compares: African/African-American, 0.21%; no homozygotes.

Submissions (3):

GeneDx
Classification: Uncertain significance. Last evaluated: 2026-02-01. Review status: criteria provided, single submitter. Criteria: GeneDx Variant Classification Process June 2021. Collection method: clinical testing. Allele origin: germline.
Comment: De novo variant with confirmed parentage in a patient in studies using large aggregate datasets to examine de novo variants in patients with various neurodevelopmental disorders; this individual also harbored de novo variants in other genes (PMID: 35982159, 33057194, 31785789); In silico analysis suggests that this missense variant does not alter protein structure/function; This variant is associated with the following publications: (PMID: 31785789, 35982159, 33057194)

Labcorp Genetics (formerly Invitae), Labcorp
Classification: Likely benign. Last evaluated: 2026-01-24. Review status: criteria provided, single submitter. Criteria: Invitae Variant Classification Sherloc (09022015). Collection method: clinical testing. Allele origin: germline.

Revvity Omics, Revvity
Classification: Uncertain significance. Last evaluated: 2023-06-29. Review status: criteria provided, single submitter. Criteria: ACMG Guidelines, 2015. Collection method: clinical testing. Allele origin: germline.

NM_000369.5(TSHR):c.1783G>A (p.Val595Ile)

Genes: TSHR (thyroid stimulating hormone receptor; plus strand), TSHR-AS1 (TSHR antisense RNA 1; minus strand). Cytogenetic location: 14q31.1.
Variant type: single nucleotide variant.
Coding change: c.1783G>A on transcript NM_000369.5 (MANE Select); coding-DNA position 1783, G replaced by A.
Protein change: p.Val595Ile; replaces valine 595 with isoleucine.
Molecular consequence: missense variant.
Genome position (GRCh38, 1-based): chr14:81,143,841, G>A. VCF-style: chr14-81143841-G-A. GRCh37 (hg19) VCF-style: chr14-81610185-G-A.
Other names: c.1783G>A (NM_000369.3); short protein forms V595I.
Identifiers: ClinVar variation 707770 (VCV000707770.9), dbSNP rs142632518, ClinGen allele CA7294523.
Genomic context (GRCh38, chr14:81,143,841, plus strand): 5'-GAGACCCCTCTTGCTCTGGCATATATTGTTTTTGTTCTGACGCTCAACATAGTTGCCTTC[G>A]TCATCGTCTGCTGCTGTTATGTGAAGATCTACATCACAGTCCGAAATCCGCAGTACAACC-3'
Protein context (NP_000360.2, residues 585-605): FVLTLNIVAF[Val595Ile]IVCCCYVKIY